The following is an entry in ClinVar:

NM_004448.4(ERBB2):c.3725C>T (p.Thr1242Met)

Gene: ERBB2 (erb-b2 receptor tyrosine kinase 2; plus strand). Cytogenetic location: 17q12.
Variant type: single nucleotide variant.
Coding change: c.3725C>T on transcript NM_004448.4 (MANE Select); coding-DNA position 3725, C replaced by T.
Protein change: p.Thr1242Met; replaces threonine 1242 with methionine.
Molecular consequence: missense variant. On other transcripts: 3 prime UTR variant (2), non-coding transcript variant (1).
Genome position (GRCh38, 1-based): chr17:39,728,001, C>T. VCF-style: chr17-39728001-C-T. GRCh37 (hg19) VCF-style: chr17-37884254-C-T.
Other names: c.3635C>T, p.Thr1212Met (NM_001005862.3, NM_001382782.1, NM_001382783.1); c.3680C>T, p.Thr1227Met (NM_001289936.2); c.*304C>T (NM_001289937.2, NM_001382803.1); c.3842C>T, p.Thr1281Met (NM_001382784.1); c.3827C>T, p.Thr1276Met (NM_001382785.1); c.3806C>T, p.Thr1269Met (NM_001382786.1); c.3800C>T, p.Thr1267Met (NM_001382787.1); c.3755C>T, p.Thr1252Met (NM_001382788.1); and 16 more; short protein forms T1174M, T1212M, T1213M, T1228M, T1249M, T1267M, T1281M, T896M.
Identifiers: ClinVar variation 1416719 (VCV001416719.6), dbSNP rs778352367, ClinGen allele CA8534609.

ClinVar aggregate classification (germline): Uncertain significance (1 of 4 stars; one submission).

Allele frequency attached by ClinVar (database versions not stated): gnomAD 0.00002; TOPMed 0.00002; gnomAD exomes 0.00004; ExAC 0.00005.
gnomAD v4.1: 19 of 1,610,122 alleles (0.0012%); highest among the groups gnomAD compares: Admixed American, 0.017%; no homozygotes.

Submission:

Labcorp Genetics (formerly Invitae), Labcorp
Classification: Uncertain significance. Last evaluated: 2022-09-27. Review status: criteria provided, single submitter. Criteria: Invitae Variant Classification Sherloc (09022015). Collection method: clinical testing. Allele origin: germline.
Comment: In summary, the available evidence is currently insufficient to determine the role of this variant in disease. Therefore, it has been classified as a Variant of Uncertain Significance. Algorithms developed to predict the effect of missense changes on protein structure and function are either unavailable or do not agree on the potential impact of this missense change (SIFT: "Deleterious"; PolyPhen-2: "Probably Damaging"; Align-GVGD: "Class C0"). ClinVar contains an entry for this variant (Variation ID: 1416719). This missense change has been observed in individual(s) with breast cancer (PMID: 29072371). This variant is present in population databases (rs778352367, gnomAD 0.03%). This sequence change replaces threonine, which is neutral and polar, with methionine, which is neutral and non-polar, at codon 1242 of the ERBB2 protein (p.Thr1242Met).

Literature cited by the submitters: PubMed 29072371.